The following is an entry in ClinVar:

NM_015046.7(SETX):c.1820A>C (p.Asp607Ala)

Gene: SETX (senataxin; minus strand). Cytogenetic location: 9q34.13.
Variant type: single nucleotide variant.
Coding change: c.1820A>C on transcript NM_015046.7 (MANE Select); coding-DNA position 1820, A replaced by C.
Protein change: p.Asp607Ala; replaces aspartic acid 607 with alanine.
Molecular consequence: missense variant.
Genome position (GRCh38, 1-based): chr9:132,329,778, T>G on the plus strand (A>C on the coding strand, the complement: SETX is on the minus strand). VCF-style: chr9-132329778-T-G. GRCh37 (hg19) VCF-style: chr9-135205165-T-G.
Other names: c.1820A>C, p.Asp607Ala (NM_001351527.2, NM_001351528.2); short protein forms D607A.
Identifiers: ClinVar variation 1780753 (VCV001780753.2), dbSNP rs147531100, ClinGen allele CA5297717.

ClinVar aggregate classification (germline): Uncertain significance (1 of 4 stars; one submission).

Conditions:
Inborn genetic diseases. Identifiers: MedGen C0950123, MeSH D030342.

Allele frequency attached by ClinVar (database versions not stated): gnomAD exomes below 0.00001; ExAC 0.00002; gnomAD 0.00002; TOPMed 0.00003; ESP Exome Variant Server 0.00008; 1000 Genomes Project 30x 0.00016; 1000 Genomes Project 0.00020.
gnomAD v4.1: 5 of 1,614,114 alleles (0.00031%); highest among the groups gnomAD compares: African/African-American, 0.004%; no homozygotes.

Submission:

Ambry Genetics
Classification: Uncertain significance for Inborn genetic diseases. Last evaluated: 2022-04-27. Review status: criteria provided, single submitter. Criteria: Ambry Variant Classification Scheme 2023. Collection method: clinical testing. Allele origin: germline.
Comment: The p.D607A variant (also known as c.1820A>C), located in coding exon 8 of the SETX gene, results from an A to C substitution at nucleotide position 1820. The aspartic acid at codon 607 is replaced by alanine, an amino acid with dissimilar properties. This amino acid position is well conserved in available vertebrate species. In addition, the in silico prediction for this alteration is inconclusive. Since supporting evidence is limited at this time, the clinical significance of this alteration remains unclear.